The following is an entry in ClinVar:

NM_004304.5(ALK):c.3589G>C (p.Glu1197Gln)

Gene: ALK (ALK receptor tyrosine kinase; minus strand). Cytogenetic location: 2p23.2.
Variant type: single nucleotide variant.
Coding change: c.3589G>C on transcript NM_004304.5 (MANE Select); coding-DNA position 3589, G replaced by C.
Protein change: p.Glu1197Gln; replaces glutamic acid 1197 with glutamine.
Molecular consequence: missense variant.
Genome position (GRCh38, 1-based): chr2:29,220,762, C>G on the plus strand (G>C on the coding strand, the complement: ALK is on the minus strand). VCF-style: chr2-29220762-C-G. GRCh37 (hg19) VCF-style: chr2-29443628-C-G.
Other names: c.385G>C, p.Glu129Gln (NM_001353765.2); short protein forms E1197Q, E129Q.
Identifiers: ClinVar variation 5035674 (VCV005035674.1).

ClinVar aggregate classification (germline): Uncertain significance (1 of 4 stars; one submission).

Conditions:
Hereditary cancer-predisposing syndrome. Also called: Hereditary Cancer Syndrome; Neoplastic Syndromes, Hereditary; Tumor predisposition; Hereditary neoplastic syndrome. Identifiers: Orphanet 140162, MedGen C0027672, MeSH D009386, MONDO:0015356.

Submission:

Ambry Genetics
Classification: Uncertain significance for Hereditary cancer-predisposing syndrome. Last evaluated: 2026-09-06. Review status: criteria provided, single submitter. Criteria: Ambry Variant Classification Scheme 2023. Collection method: clinical testing. Allele origin: germline.
Comment: The p.E1197Q variant (also known as c.3589G>C), located in coding exon 23 of the ALK gene, results from a G to C substitution at nucleotide position 3589. The glutamic acid at codon 1197 is replaced by glutamine, an amino acid with highly similar properties. This amino acid position is conserved. In addition, this alteration is predicted to be deleterious by in silico analysis. Based on the available evidence, the clinical significance of this variant remains unclear.